The following continues an entry in ClinVar:

NM_000051.4(ATM):c.2413C>T (p.Arg805Ter)

Gene: ATM. ClinVar aggregate classification (germline): Pathogenic. Pathogenic (1).

Submissions 11 to 22 of 22:

Women's Health and Genetics/Laboratory Corporation of America, LabCorp
Classification: Pathogenic for Ataxia-telangiectasia syndrome. Last evaluated: 2023-06-29. Review status: criteria provided, single submitter. Criteria: LabCorp Variant Classification Summary - May 2015. Collection method: clinical testing. Allele origin: germline. Not counted in ClinVar's aggregate classification.
Comment: Variant summary: ATM c.2413C>T (p.Arg805X) results in a premature termination codon, predicted to cause a truncation of the encoded protein or absence of the protein due to nonsense mediated decay, which are commonly known mechanisms for disease. The variant allele was found at a frequency of 4e-05 in 251214 control chromosomes. This frequency is not significantly higher than estimated for a pathogenic variant in ATM causing Ataxia-Telangiectasia (4e-05 vs 0.004), allowing no conclusion about variant significance. c.2413C>T has been reported in the literature in multiple individuals affected with Ataxia-Telangiectasia (example: Babei_2005, Chessa_2009). These data indicate that the variant is likely to be associated with disease. The following publications have been ascertained in the context of this evaluation (PMID: 15843990, 19691550). Twelve submitters have cited clinical-significance assessments for this variant to ClinVar after 2014. All submitters classified the variant as pathogenic. Based on the evidence outlined above, the variant was classified as pathogenic.

Color Diagnostics, LLC DBA Color Health
Classification: Pathogenic for Hereditary cancer-predisposing syndrome. Last evaluated: 2023-05-04. Review status: criteria provided, single submitter. Criteria: ACMG Guidelines, 2015. Collection method: clinical testing. Allele origin: germline. Not counted in ClinVar's aggregate classification.
Comment: This variant changes 1 nucleotide in exon 16 of the ATM gene, creating a premature translation stop signal. This variant is expected to result in an absent or non-functional protein product. This variant has been reported in multiple individuals with ataxia-telangiectasia in homozygous or compound heterozygous state with other known pathogenic ATM variants (PMID: 12815592, 15843990, 16941484, 19691550, 21665257, 23807571, 30772474). This variant has also been reported in individuals with breast and/or ovarian cancer (PMID: 26757417, 32068069, 32566746). In a large international case-control study, this variant was reported in 6/60466 breast cancer cases and absent in 53461 controls (PMID: 33471991). This variant has been identified in 10/251214 chromosomes in the general population by the Genome Aggregation Database (gnomAD). Loss of ATM function is a known mechanism of disease. Based on the available evidence, this variant is classified as Pathogenic.

CHEO Genetics Diagnostic Laboratory, Children's Hospital of Eastern Ontario
Classification: Pathogenic for Breast and/or ovarian cancer. Last evaluated: 2022-09-02. Review status: criteria provided, single submitter. Criteria: ACMG Guidelines, 2015. Collection method: clinical testing. Allele origin: germline. Not counted in ClinVar's aggregate classification.

3billion
Classification: Pathogenic for Ataxia-telangiectasia syndrome. Last evaluated: 2022-09-01. Review status: criteria provided, single submitter. Criteria: ACMG Guidelines, 2015. Collection method: clinical testing. Allele origin: germline. Affected: yes. Observed: 1 heterozygote. Not counted in ClinVar's aggregate classification.
Comment: The variant is observed at an extremely low frequency in the gnomAD v2.1.1 dataset (total allele frequency: 0.004%). Stop-gained (nonsense) is predicted to result in a loss or disruption of normal protein function through nonsense-mediated decay (NMD) or protein truncation. Multiple pathogenic variants are reported downstream of the variant. The variant has been reported at least twice as pathogenic with clinical assertions and evidence for the classification (ClinVar ID: VCV000216021 / PMID: 9043869). Therefore, this variant is classified as Pathogenic according to the recommendation of ACMG/AMP guideline.

GeneDx
Classification: Pathogenic. Last evaluated: 2022-05-11. Review status: criteria provided, single submitter. Criteria: GeneDx Variant Classification Process June 2021. Collection method: clinical testing. Allele origin: germline. Affected: yes. Not counted in ClinVar's aggregate classification.
Comment: Nonsense variant predicted to result in protein truncation or nonsense mediated decay in a gene for which loss-of-function is a known mechanism of disease; Observed in individuals with breast, pancreatic, and/or ovarian cancer (Ng 2016, Lowery 2018, Kaneyasu 2020, Kwong 2020); This variant is associated with the following publications: (PMID: 9043869, 24549055, 26786923, 28126470, 20308662, 16941484, 28779002, 23807571, 17124347, 29506128, 25525159, 30772474, 31350202, 31292799, 31589614, 29625052, 32068069, 26757417, 32566746, 19691550, 26896183, 34489640)

Sema4
Classification: Pathogenic for Hereditary cancer-predisposing syndrome. Last evaluated: 2022-01-27. Review status: criteria provided, single submitter. Criteria: Sema4 Curation Guidelines. Collection method: curation. Allele origin: germline. Not counted in ClinVar's aggregate classification.
Comment: The ATM c.2413C>T (p.R805X) variant has been reported as homozygous and compound heterozygous in numerous individuals with ataxia telangiectasia (PMID: 12815592, 15843990, 16941484, 20308662, 23807571, 26896183, 30772474). It has also been reported in heterozygosity in individuals with breast, ovarian, and pancreatic cancers (PMID: 26757417, 28779002, 32068069, 33471991, 24549055, 32566746, 29506128). This nonsense variant creates a premature stop codon at residue 805 of the ATM protein. At this location, nonsense-mediated decay is predicted to occur, resulting in a loss of gene function. Loss of function variants in ATM are known to be pathogenic (PMID: 31050087). It was observed in 6/18388 chromosomes of the East Asian subpopulation in the large and broad cohorts of the Genome Aggregation Database (PMID: 32461654). The variant has been reported in ClinVar (Variation ID 216021). Based on the current evidence available, this variant is interpreted as pathogenic.

Pediatric Genomics Discovery Program, Yale University
Classification: Pathogenic for Ataxia-telangiectasia syndrome. Last evaluated: 2021-03-10. Review status: criteria provided, single submitter. Criteria: ACMG Guidelines, 2015. Collection method: research. Allele origin: maternal. Inheritance: Autosomal recessive inheritance. Affected: yes. Observed: 1 variant allele, 1 compound heterozygote. Not counted in ClinVar's aggregate classification.
Comment: The variant c.2413C>T, (p.Arg805Ter) in the ATM gene has been reported as a pathogenic variant by multiple prior commercial laboratories. It is a nonsense variant, while loss of function variants are known to cause Ataxia-Telangiectasia (A-T). It is very rare in a large population database (gnomAD). It was observed in a large family with multiple individuals affected with adolescent-onset ataxia (no telangiectasia/cancers identified in family) in trans with a likely-pathogenic ATM variant, and segregated perfectly with recessively inherited disease. For these reasons, there is sufficient evidence to consider this variant as pathogenic.

Cancer Genomics Group, Japanese Foundation For Cancer Research
Classification: Pathogenic for Hereditary breast and ovarian cancer syndrome. Last evaluated: 2019-05-01. Review status: criteria provided, single submitter. Criteria: ACMG Guidelines, 2015. Collection method: research. Allele origin: germline. Affected: yes. Not counted in ClinVar's aggregate classification.

Fulgent Genetics
Classification: Pathogenic for Familial cancer of breast; Ataxia-telangiectasia syndrome. Last evaluated: 2018-10-31. Review status: criteria provided, single submitter. Criteria: ACMG Guidelines, 2015. Collection method: clinical testing. Allele origin: unknown. Not counted in ClinVar's aggregate classification.

Mendelics
Classification: Pathogenic for Ataxia-telangiectasia syndrome. Last evaluated: 2018-07-02. Review status: criteria provided, single submitter. Criteria: Mendelics Assertion Criteria 2017. Collection method: clinical testing. Allele origin: unknown. Not counted in ClinVar's aggregate classification.

Counsyl
Classification: Pathogenic for Ataxia-telangiectasia syndrome. Last evaluated: 2016-03-22. Review status: no assertion criteria provided. Collection method: clinical testing. Allele origin: unknown. Not counted in ClinVar's aggregate classification.

Laboratory of Urology, Hospital Clinic de Barcelona
Classification: Pathogenic for Malignant tumor of urinary bladder. Review status: no assertion criteria provided. Collection method: research. Allele origin: somatic. Affected: yes. Not counted in ClinVar's aggregate classification.

Literature cited by the submitters: PubMed 23807571 (cited by 4 submitters); PubMed 25614872 (cited by Labcorp Genetics (formerly Invitae), Labcorp); PubMed 9043869 (cited by 4 submitters); PubMed 12815592 (cited by 6 submitters); PubMed 15843990 (cited by 7 submitters); PubMed 16941484 (cited by 5 submitters); PubMed 19691550 (cited by 7 submitters); PubMed 24549055 (cited by 4 submitters); PubMed 21445571 (cited by Natera, Inc.); PubMed 20308662 (cited by 3 submitters); PubMed 17910737 (cited by Ambry Genetics); PubMed 26757417 (cited by 3 submitters); PubMed 30772474 (cited by 4 submitters); PubMed 31350202 (cited by Ambry Genetics); PubMed 32068069 (cited by 3 submitters); PubMed 34489640 (cited by Mayo Clinic Laboratories, Mayo Clinic); PubMed 21665257 (cited by Color Diagnostics, LLC DBA Color Health and Counsyl); PubMed 32566746 (cited by Color Diagnostics, LLC DBA Color Health and Sema4); PubMed 33471991 (cited by Color Diagnostics, LLC DBA Color Health and Sema4); PubMed 26896183 (cited by Sema4); PubMed 28779002 (cited by Sema4); PubMed 29506128 (cited by Sema4); PubMed 31050087 (cited by Sema4).